The following is an entry in ClinVar:

NM_005633.4(SOS1):c.3072C>T (p.Leu1024=)

Gene: SOS1 (SOS Ras/Rac guanine nucleotide exchange factor 1; minus strand). Cytogenetic location: 2p22.1.
Variant type: single nucleotide variant.
Coding change: c.3072C>T on transcript NM_005633.4 (MANE Select); coding-DNA position 3072, C replaced by T.
Protein change: p.Leu1024=; no amino-acid change (leucine 1024 retained).
Molecular consequence: synonymous variant.
Genome position (GRCh38, 1-based): chr2:38,996,931, G>A on the plus strand (C>T on the coding strand, the complement: SOS1 is on the minus strand). VCF-style: chr2-38996931-G-A. GRCh37 (hg19) VCF-style: chr2-39224072-G-A.
Other names: NM_005633.3(SOS1):c.3072C>T; c.3051C>T, p.Leu1017= (NM_001382394.1); c.3072C>T, p.Leu1024= (NM_001382395.1).
Identifiers: ClinVar variation 448941 (VCV000448941.14), dbSNP rs558386297, ClinGen allele CA1624273.

ClinVar aggregate classification (germline): Benign. Review status: reviewed by expert panel (3 of 4 stars). 5 submissions from 5 submitters: Benign (1). 4 of the submissions do not count toward it. Last evaluated 2017-04-18.

Conditions:
Cardiovascular phenotype. Identifiers: MedGen CN230736.
RASopathy. Also called: Noonan spectrum disorder; rasopathies. Identifiers: Orphanet 536391, MedGen C5555857, MONDO:0021060.

Allele frequency attached by ClinVar (database versions not stated): TOPMed below 0.00001; gnomAD 0.00001; gnomAD exomes 0.00013; 1000 Genomes Project 30x 0.00016; ExAC 0.00017; 1000 Genomes Project 0.00020.
gnomAD v4.1: 105 of 1,511,218 alleles (0.0069%); highest among the groups gnomAD compares: South Asian, 0.11%; no homozygotes.

Submissions (5):

ClinGen RASopathy Variant Curation Expert Panel
Classification: Benign for Noonan syndrome and Noonan-related syndrome. Last evaluated: 2017-04-18. Review status: reviewed by expert panel. Criteria: ClinGen RASopathy ACMG Specifications v1. Collection method: curation. Allele origin: germline. Inheritance: Autosomal dominant inheritance.
Comment: The filtering allele frequency of the c.3072C>T (p.Leu1024=) variant in the SOS1 gene is 0.075% (19/16510) of South Asian chromosomes by the Exome Aggregation Consortium, which is a high enough frequency to be classified as benign based on thresholds defined by the ClinGen RASopathy Expert Panel (BA1; PMID:29493581)

Labcorp Genetics (formerly Invitae), Labcorp
Classification: Benign for RASopathy. Last evaluated: 2025-07-09. Review status: criteria provided, single submitter. Criteria: Invitae Variant Classification Sherloc (09022015). Collection method: clinical testing. Allele origin: germline. Not counted in ClinVar's aggregate classification.

Blueprint Genetics
Classification: Likely benign. Last evaluated: 2024-09-30. Review status: criteria provided, single submitter. Criteria: ACMG Guidelines, 2015. Collection method: clinical testing. Allele origin: germline. Not counted in ClinVar's aggregate classification.

Ambry Genetics
Classification: Likely benign for Cardiovascular phenotype. Last evaluated: 2020-06-17. Review status: criteria provided, single submitter. Criteria: Ambry Variant Classification Scheme 2023. Collection method: clinical testing. Allele origin: germline. Not counted in ClinVar's aggregate classification.

GeneDx
Classification: Likely benign. Last evaluated: 2017-03-16. Review status: criteria provided, single submitter. Criteria: GeneDx Variant Classification (06012015). Collection method: clinical testing. Allele origin: germline. Affected: yes. Not counted in ClinVar's aggregate classification.
Comment: This variant is considered likely benign or benign based on one or more of the following criteria: it is a conservative change, it occurs at a poorly conserved position in the protein, it is predicted to be benign by multiple in silico algorithms, and/or has population frequency not consistent with disease.